The following is an entry in ClinVar:

ClinVar aggregate classification (germline): Uncertain significance. Review status: criteria provided, multiple submitters, no conflicts (2 of 4 stars). 2 submissions from 2 submitters: Uncertain significance (2). Last evaluated 2026-03-02.

Conditions:
Polycystic kidney disease, adult type (PKD1). Also called: Polycystic Kidney Disease 1, Autosomal Dominant; Polycystic kidney disease 1; Polycystic kidney disease 1, severe; Polycystic Kidney, Autosomal Dominant; POLYCYSTIC KIDNEY DISEASE 1 WITH OR WITHOUT POLYCYSTIC LIVER DISEASE; POLYCYSTIC KIDNEY DISEASE, ADULT, TYPE I. Identifiers: MedGen C3149841, MONDO:0008263, OMIM 173900.

gnomAD v4.1: 1 of 1,597,834 alleles (0.000063%); highest among the groups gnomAD compares: African/African-American, 0.0013%; no homozygotes.

Submissions (2):

Women's Health and Genetics/Laboratory Corporation of America, LabCorp
Classification: Uncertain significance. Last evaluated: 2026-03-02. Review status: criteria provided, single submitter. Criteria: LabCorp Variant Classification Summary - May 2015. Collection method: clinical testing. Allele origin: germline.
Comment: Variant summary: PKD1 c.858T>A alters a non-conserved nucleotide resulting in a synonymous change. Several computational tools predict a significant impact on normal splicing: Two predict the variant creates a 3' acceptor site. Two predict the variant no significant impact on splicing. Three predict the variant abolishes a cryptic 3' acceptor site. However, these predictions have yet to be confirmed by functional studies. The variant was absent in 214476 control chromosomes. The available data on variant occurrences in the general population are insufficient to allow any conclusion about variant significance. To our knowledge, no occurrence of c.858T>A in individuals affected with PKD1-related conditions and no experimental evidence demonstrating its impact on protein function have been reported. ClinVar contains an entry for this variant (Variation ID: 3579807). Based on the evidence outlined above, the variant was classified as uncertain significance.

Fulgent Genetics
Classification: Uncertain significance for Polycystic kidney disease, adult type. Last evaluated: 2024-04-08. Review status: criteria provided, single submitter. Criteria: ACMG Guidelines, 2015. Collection method: clinical testing. Allele origin: germline.

NM_001009944.3(PKD1):c.858T>A (p.Ser286=)

Gene: PKD1 (polycystin 1, transient receptor potential channel interacting; minus strand). Cytogenetic location: 16p13.3.
Variant type: single nucleotide variant.
Coding change: c.858T>A on transcript NM_001009944.3 (MANE Select); coding-DNA position 858, T replaced by A.
Protein change: p.Ser286=; no amino-acid change (serine 286 retained).
Molecular consequence: synonymous variant.
Genome position (GRCh38, 1-based): chr16:2,118,134, A>T on the plus strand (T>A on the coding strand, the complement: PKD1 is on the minus strand). VCF-style: chr16-2118134-A-T. GRCh37 (hg19) VCF-style: chr16-2168135-A-T.
Other names: c.858T>A, p.Ser286= (NM_000296.4).
Identifiers: ClinVar variation 3579807 (VCV003579807.2).